The following is an entry in ClinVar:

NM_004646.4(NPHS1):c.2414del (p.His805fs)

Gene: NPHS1 (NPHS1 adhesion molecule, nephrin; minus strand). Cytogenetic location: 19q13.12.
Variant type: Deletion.
Coding change: c.2414del on transcript NM_004646.4 (MANE Select); coding-DNA position 2414, one base deleted (A; older notation c.2414delA).
Protein change: p.His805fs; shifts the reading frame from histidine 805.
Molecular consequence: frameshift variant.
Genome position (GRCh38, 1-based): chr19:35,842,471, T deleted on the plus strand (A on the coding strand, the reverse complement: NPHS1 is on the minus strand). VCF-style (leftmost placement, unchanged base first): chr19-35842470-AT-A. GRCh37 (hg19) VCF-style: chr19-36333372-AT-A.
Other names: c.2414delA, p.His805Leufs (NM_004646.3); short protein forms H805fs.
Identifiers: ClinVar variation 4815383 (VCV004815383.1).

ClinVar aggregate classification (germline): Likely pathogenic (1 of 4 stars; one submission).

Conditions:
Finnish congenital nephrotic syndrome (NPHS1). Also called: NEPHROTIC SYNDROME, TYPE 1. Identifiers: Orphanet 839, MedGen C0403399, MONDO:0009732, OMIM 256300.

Submission:

Natera, Inc.
Classification: Likely pathogenic for Finnish congenital nephrotic syndrome. Last evaluated: 2024-08-26. Review status: criteria provided, single submitter. Criteria: Natera Variant Classification Schema (03/2026). Collection method: clinical testing. Allele origin: germline.
Comment: The c.2414del variant in NPHS1 is a frameshift variant predicted to shift the reading frame beginning at codon 805 and leads to a stop codon 42 codons downstream. This variant is expected to result in nonsense mediated decay, truncation, or a dysfunctional protein product. This variant is rare in the general population with a frequency below the threshold expected for the associated phenotype(s). Given the available evidence, this variant is classified as Likely Pathogenic.